The following is an entry in ClinVar:

NM_017433.5(MYO3A):c.956G>A (p.Arg319His)

Gene: MYO3A (myosin IIIA; plus strand). Cytogenetic location: 10p12.1.
Variant type: single nucleotide variant.
Coding change: c.956G>A on transcript NM_017433.5 (MANE Select); coding-DNA position 956, G replaced by A.
Protein change: p.Arg319His; replaces arginine 319 with histidine.
Molecular consequence: missense variant.
Genome position (GRCh38, 1-based): chr10:26,066,977, G>A. VCF-style: chr10-26066977-G-A. GRCh37 (hg19) VCF-style: chr10-26355906-G-A.
Other names: short protein forms R319H.
Identifiers: ClinVar variation 45823 (VCV000045823.27), dbSNP rs3824700, ClinGen allele CA137107.

ClinVar aggregate classification (germline): Benign. Review status: criteria provided, multiple submitters, no conflicts (2 of 4 stars). 11 submissions from 11 submitters: Benign (9). 2 of the submissions do not count toward it. Last evaluated 2026-02-03.

Conditions:
Autosomal recessive nonsyndromic hearing loss 30. Identifiers: Orphanet 90636, MedGen C1846784, MONDO:0011774, OMIM 607101.

Allele frequency attached by ClinVar (database versions not stated): 1000 Genomes Project 0.39357; 1000 Genomes Project 30x 0.39600; TOPMed 0.45124; gnomAD 0.47545 and 0.47622; gnomAD exomes 0.47885; ExAC 0.48497; ESP Exome Variant Server 0.48839.
gnomAD v4.1: 835,358 of 1,599,846 alleles (52%); highest among the groups gnomAD compares: Middle Eastern, 56%; 223,766 homozygotes.

Submissions (11):

Labcorp Genetics (formerly Invitae), Labcorp
Classification: Benign. Last evaluated: 2026-02-03. Review status: criteria provided, single submitter. Criteria: Invitae Variant Classification Sherloc (09022015). Collection method: clinical testing. Allele origin: germline.

Blueprint Genetics
Classification: Benign. Last evaluated: 2024-11-27. Review status: criteria provided, single submitter. Criteria: ACMG Guidelines, 2015. Collection method: clinical testing. Allele origin: germline.

Genome-Nilou Lab
Classification: Benign for Autosomal recessive nonsyndromic hearing loss 30. Last evaluated: 2021-09-05. Review status: criteria provided, single submitter. Criteria: ACMG Guidelines, 2015. Collection method: clinical testing. Allele origin: germline. Affected: no.

Mayo Clinic Laboratories, Mayo Clinic
Classification: Benign. Last evaluated: 2020-08-26. Review status: criteria provided, single submitter. Criteria: ACMG Guidelines, 2015. Collection method: clinical testing. Allele origin: germline. Observed: 122 variant alleles.

Illumina Laboratory Services, Illumina
Classification: Benign for Autosomal recessive nonsyndromic hearing loss 30. Last evaluated: 2018-01-13. Review status: criteria provided, single submitter. Criteria: ICSL Variant Classification Criteria 13 December 2019. Collection method: clinical testing. Allele origin: germline.
Comment: This variant was observed in the ICSL laboratory as part of a predisposition screen in an ostensibly healthy population. It had not been previously curated by ICSL or reported in the Human Gene Mutation Database (HGMD: prior to June 1st, 2018), and was therefore a candidate for classification through an automated scoring system. Utilizing variant allele frequency, disease prevalence and penetrance estimates, and inheritance mode, an automated score was calculated to assess if this variant is too frequent to cause the disease. Based on the score and internal cut-off values, a variant classified as benign is not then subjected to further curation. The score for this variant resulted in a classification of benign for this disease.

GeneDx
Classification: Benign. Last evaluated: 2017-05-09. Review status: criteria provided, single submitter. Criteria: GeneDx Variant Classification (06012015). Collection method: clinical testing. Allele origin: germline. Affected: yes.
Comment: This variant is considered likely benign or benign based on one or more of the following criteria: it is a conservative change, it occurs at a poorly conserved position in the protein, it is predicted to be benign by multiple in silico algorithms, and/or has population frequency not consistent with disease.

Laboratory for Molecular Medicine, Mass General Brigham Personalized Medicine
Classification: Benign. Last evaluated: 2012-05-07. Review status: criteria provided, single submitter. Criteria: LMM Criteria. Collection method: clinical testing. Allele origin: germline. Observed: 1,197 variant alleles.
Comment: Arg319His in Exon 11 of MYO3A: This variant is not expected to have clinical sig nificance because it has been identified in 45.0% (3157/7020) of European Americ an chromosomes from a broad population by the NHLBI Exome Sequencing Project (dbSNP rs3824700).

Breakthrough Genomics
Classification: Benign. Review status: criteria provided, single submitter. Criteria: ACMG Guidelines, 2015. Collection method: not provided. Allele origin: germline. Inheritance: Autosomal recessive inheritance. Affected: yes.

PreventionGenetics, part of Exact Sciences
Classification: Benign. Review status: criteria provided, single submitter. Criteria: ACMG Guidelines, 2015. Collection method: clinical testing. Allele origin: germline.

Diagnostic Laboratory, Department of Genetics, University Medical Center Groningen
Classification: Benign. Review status: no assertion criteria provided. Collection method: clinical testing. Allele origin: germline. Affected: yes. Study: VKGL Data-share Consensus. Not counted in ClinVar's aggregate classification.

Joint Genome Diagnostic Labs from Nijmegen and Maastricht, Radboudumc and MUMC+
Classification: Benign. Review status: no assertion criteria provided. Collection method: clinical testing. Allele origin: germline. Affected: yes. Study: VKGL Data-share Consensus. Not counted in ClinVar's aggregate classification.